The following is an entry in ClinVar:

NM_001127511.3(APC):c.33C>T (p.Ala11=)

Gene: APC (APC regulator of Wnt signaling pathway; plus strand). Cytogenetic location: 5q22.2.
Variant type: single nucleotide variant.
Coding change: c.33C>T on transcript NM_001127511.3; coding-DNA position 33, C replaced by T.
Protein change: p.Ala11=; no amino-acid change (alanine 11 retained).
Molecular consequence: synonymous variant. On other transcripts: 5 prime UTR variant (8), non-coding transcript variant (1), intron variant (5).
Genome position (GRCh38, 1-based): chr5:112,707,750, C>T. VCF-style: chr5-112707750-C-T. GRCh37 (hg19) VCF-style: chr5-112043447-C-T.
Other names: c.-151C>T (NM_001354895.2, NM_001407447.1, NM_001407452.1 and 3 more transcripts); c.33C>T, p.Ala11= (NM_001354897.2, NM_001354902.2, NM_001407446.1); c.-1186C>T (NM_001407470.1, NM_001407472.1); c.-19+101C>T (NM_001407448.1, NM_001407450.1, NM_001407457.1 and 1 more transcripts); c.-43+101C>T (NM_001407453.1).
Identifiers: ClinVar variation 2116738 (VCV002116738.4), dbSNP rs1750604976, ClinGen allele CA2580072326.

ClinVar aggregate classification (germline): Uncertain significance (1 of 4 stars; one submission).

Conditions:
Familial adenomatous polyposis 1 (FAP1). Also called: FAMILIAL ADENOMATOUS POLYPOSIS 1, ATTENUATED; POLYPOSIS, ADENOMATOUS INTESTINAL. Identifiers: MedGen C2713442, MONDO:0021056, OMIM 175100. Disease mechanism: loss of function.

Submission:

Labcorp Genetics (formerly Invitae), Labcorp
Classification: Uncertain significance for Familial adenomatous polyposis 1. Last evaluated: 2025-09-24. Review status: criteria provided, single submitter. Criteria: Invitae Variant Classification Sherloc (09022015). Collection method: clinical testing. Allele origin: germline.
Comment: This variant occurs in a non-coding region of the APC gene. It does not change the encoded amino acid sequence of the APC protein. This variant is not present in population databases (gnomAD no frequency). This variant has not been reported in the literature in individuals affected with APC-related conditions. Experimental studies and prediction algorithms are not available or were not evaluated, and the functional significance of this variant is currently unknown. In summary, the available evidence is currently insufficient to determine the role of this variant in disease. Therefore, it has been classified as a Variant of Uncertain Significance.